The following is an entry in ClinVar:

NM_001134363.3(RBM20):c.3416C>T (p.Pro1139Leu)

Gene: RBM20 (RNA binding motif protein 20; plus strand). Cytogenetic location: 10q25.2.
Variant type: single nucleotide variant.
Coding change: c.3416C>T on transcript NM_001134363.3 (MANE Select); coding-DNA position 3416, C replaced by T.
Protein change: p.Pro1139Leu; replaces proline 1139 with leucine.
Molecular consequence: missense variant.
Genome position (GRCh38, 1-based): chr10:110,823,579, C>T. VCF-style: chr10-110823579-C-T. GRCh37 (hg19) VCF-style: chr10-112583337-C-T.
Other names: short protein forms P1139L.
Identifiers: ClinVar variation 3711887 (VCV003711887.2).

ClinVar aggregate classification (germline): Uncertain significance (1 of 4 stars; one submission).

Conditions:
Dilated cardiomyopathy 1DD (CMD1DD). Identifiers: Orphanet 154, MedGen C2750995, MONDO:0013168, OMIM 613172.

gnomAD v4.1: 13 of 1,551,370 alleles (0.00084%); highest among the groups gnomAD compares: Non-Finnish European, 0.0011%; no homozygotes.

Submission:

Labcorp Genetics (formerly Invitae), Labcorp
Classification: Uncertain significance for Dilated cardiomyopathy 1DD. Last evaluated: 2024-07-30. Review status: criteria provided, single submitter. Criteria: Invitae Variant Classification Sherloc (09022015). Collection method: clinical testing. Allele origin: germline.
Comment: This sequence change replaces proline, which is neutral and non-polar, with leucine, which is neutral and non-polar, at codon 1139 of the RBM20 protein (p.Pro1139Leu). This variant is present in population databases (no rsID available, gnomAD 0.002%). This variant has not been reported in the literature in individuals affected with RBM20-related conditions. Advanced modeling of protein sequence and biophysical properties (such as structural, functional, and spatial information, amino acid conservation, physicochemical variation, residue mobility, and thermodynamic stability) performed at Invitae indicates that this missense variant is not expected to disrupt RBM20 protein function with a negative predictive value of 95%. In summary, the available evidence is currently insufficient to determine the role of this variant in disease. Therefore, it has been classified as a Variant of Uncertain Significance.